The following is an entry in ClinVar:

ClinVar aggregate classification (germline): Uncertain significance (1 of 4 stars; one submission).

Submission:

GeneDx
Classification: Uncertain significance. Last evaluated: 2019-12-03. Review status: criteria provided, single submitter. Criteria: GeneDx Variant Classification Process June 2021. Collection method: clinical testing. Allele origin: germline. Affected: yes.
Comment: Not observed in large population cohorts (Lek 2016); In silico analysis, which includes protein predictors and evolutionary conservation, supports that this variant does not alter protein structure/function; Has not been previously published as pathogenic or benign to our knowledge

NM_024675.4(PALB2):c.2291A>G (p.Lys764Arg)

Gene: PALB2 (partner and localizer of BRCA2; minus strand). Cytogenetic location: 16p12.2.
Variant type: single nucleotide variant.
Coding change: c.2291A>G on transcript NM_024675.4 (MANE Select); coding-DNA position 2291, A replaced by G.
Protein change: p.Lys764Arg; replaces lysine 764 with arginine.
Molecular consequence: missense variant.
Genome position (GRCh38, 1-based): chr16:23,629,863, T>C on the plus strand (A>G on the coding strand, the complement: PALB2 is on the minus strand). VCF-style: chr16-23629863-T-C. GRCh37 (hg19) VCF-style: chr16-23641184-T-C.
Other names: short protein forms K764R.
Identifiers: ClinVar variation 1320417 (VCV001320417.2), dbSNP rs2142376326, ClinGen allele CA395125314.
Genomic context (GRCh38, chr16:23,629,863, plus strand): 5'-TTTGCTGGGCTGCCTGAACTGTCGAATTGTTTAGTATCACTGGCAAGACAGACTGAGTCT[T>C]TCAAATGAGCAAGTTGGGGTGTGCAGCAAGTTCGTCCAGCAACTTCTGTAGATGCTTTTT-3'
Protein context (NP_078951.2, residues 754-774): TCCTPQLAHL[Lys764Arg]DSVCLASDTK